The following is an entry in ClinVar:

NM_182931.3(KMT2E):c.3554C>G (p.Ser1185Ter)

Gene: KMT2E (lysine methyltransferase 2E (inactive); plus strand). Cytogenetic location: 7q22.3.
Variant type: single nucleotide variant.
Coding change: c.3554C>G on transcript NM_182931.3 (MANE Select); coding-DNA position 3554, C replaced by G.
Protein change: p.Ser1185Ter; replaces serine 1185 with a stop codon.
Molecular consequence: nonsense.
Genome position (GRCh38, 1-based): chr7:105,109,027, C>G. VCF-style: chr7-105109027-C-G. GRCh37 (hg19) VCF-style: chr7-104749474-C-G.
Other names: c.3554C>G, p.Ser1185Ter (NM_018682.4); short protein forms S1185*.
Identifiers: ClinVar variation 638172 (VCV000638172.4), dbSNP rs186916831, ClinGen allele CA368790118.

ClinVar aggregate classification (germline): Likely pathogenic. Review status: criteria provided, multiple submitters, no conflicts (2 of 4 stars). 3 submissions from 3 submitters: Likely pathogenic (2). 1 of the submissions does not count toward it. Last evaluated 2019-02-07.

Conditions:
O'Donnell-Luria-Rodan syndrome (ODLURO). Also called: KMT2E-Related Neurodevelopmental Disorder. Identifiers: MedGen C5193138, MONDO:0032793, OMIM 618512.

Submissions (3):

Broad Center for Mendelian Genomics, Broad Institute of MIT and Harvard
Classification: Likely pathogenic. Last evaluated: 2019-02-07. Review status: criteria provided, single submitter. Criteria: ACMG Guidelines, 2015. Collection method: research. Allele origin: de novo. Inheritance: Autosomal dominant inheritance. Affected: yes.
Comment: Trio exome analysis showed this variant to be de novo. The p.Ser1185* variant in KMT2E has not been previously reported in individuals with developmental delays, intellectual disabilities or Epilepsy and was absent from large population studies. This nonsense variant leads to a premature termination codon at position 1185 which is predicted to lead to a truncated or absent protein. This alteration is then predicted to lead to a truncated or absent protein. It is of note, that loss of function of the KMT2E gene in autosomal dominant disease has not yet been established based on the criteria laid out in Tayoun, 2018 (PMID: 30192042). In summary, although additional studies are required to fully establish its clinical significance, this variant is likely pathogenic.

Institute of Human Genetics, University of Leipzig Medical Center
Classification: Likely pathogenic for O'Donnell-Luria-Rodan syndrome. Last evaluated: 2017-04-20. Review status: criteria provided, single submitter. Criteria: ACMG Guidelines, 2015. Collection method: clinical testing. Allele origin: de novo. Affected: yes. Observed: 1 variant allele.
Comment: This variant was identified as de novo (maternity and paternity confirmed).

OMIM
Classification: Pathogenic for O'DONNELL-LURIA-RODAN SYNDROME. Last evaluated: 2019-07-25. Review status: no assertion criteria provided. Collection method: literature only. Allele origin: germline. Not counted in ClinVar's aggregate classification.

Literature cited by the submitters: PubMed 31079897 (cited by OMIM).